The following is an entry in ClinVar:

NM_015909.4(NBAS):c.97C>G (p.Pro33Ala)

Genes: NBAS (NBAS subunit of NRZ tethering complex; minus strand), LOC129933155 (ATAC-STARR-seq lymphoblastoid active region 15346; plus strand). Cytogenetic location: 2p24.3.
Variant type: single nucleotide variant.
Coding change: c.97C>G on transcript NM_015909.4 (MANE Select); coding-DNA position 97, C replaced by G.
Protein change: p.Pro33Ala; replaces proline 33 with alanine.
Molecular consequence: missense variant. On other transcripts: non-coding transcript variant (1).
Genome position (GRCh38, 1-based): chr2:15,561,208, G>C on the plus strand (C>G on the coding strand, the complement: NBAS is on the minus strand). VCF-style: chr2-15561208-G-C. GRCh37 (hg19) VCF-style: chr2-15701332-G-C.
Other names: short protein forms P33A.
Identifiers: ClinVar variation 1436559 (VCV001436559.3), dbSNP rs373061877, ClinGen allele CA345895052.
Genomic context (GRCh38, chr2:15,561,208, plus strand): 5'-CGCGCCAAGCTGGCTGCTGCTGTAGATGGGCCTGGTTCACCTGTACTTCAGTCTCCGGTG[G>C]CCACTCGGTGTTGACCAACAAGTCATAGAGAATCGTCTCCTCCTCACCCTCTGCAGTGCC-3'
Protein context (NP_056993.2, residues 23-43): LYDLLVNTEW[Pro33Ala]PETEVQPRGN

ClinVar aggregate classification (germline): Uncertain significance (1 of 4 stars; one submission).

gnomAD v4.1: 4 of 1,613,826 alleles (0.00025%); highest among the groups gnomAD compares: Non-Finnish European, 0.00034%; no homozygotes.

Submission:

Labcorp Genetics (formerly Invitae), Labcorp
Classification: Uncertain significance. Last evaluated: 2022-05-04. Review status: criteria provided, single submitter. Criteria: Invitae Variant Classification Sherloc (09022015). Collection method: clinical testing. Allele origin: germline.
Comment: This sequence change replaces proline, which is neutral and non-polar, with alanine, which is neutral and non-polar, at codon 33 of the NBAS protein (p.Pro33Ala). This variant is present in population databases (no rsID available, gnomAD 0.0009%). This variant has not been reported in the literature in individuals affected with NBAS-related conditions. Algorithms developed to predict the effect of missense changes on protein structure and function (SIFT, PolyPhen-2, Align-GVGD) all suggest that this variant is likely to be disruptive. In summary, the available evidence is currently insufficient to determine the role of this variant in disease. Therefore, it has been classified as a Variant of Uncertain Significance.